The following is an entry in ClinVar:

NM_001170535.3(ATAD3A):c.1671C>T (p.Arg557=)

Gene: ATAD3A (ATPase family AAA domain containing 3A; plus strand). Cytogenetic location: 1p36.33.
Variant type: single nucleotide variant.
Coding change: c.1671C>T on transcript NM_001170535.3 (MANE Select); coding-DNA position 1671, C replaced by T.
Protein change: p.Arg557=; no amino-acid change (arginine 557 retained).
Molecular consequence: synonymous variant.
Genome position (GRCh38, 1-based): chr1:1,533,982, C>T. VCF-style: chr1-1533982-C-T. GRCh37 (hg19) VCF-style: chr1-1469362-C-T.
Other names: c.1434C>T, p.Arg478= (NM_001170536.3); c.1815C>T, p.Arg605= (NM_018188.5).
Identifiers: ClinVar variation 2638043 (VCV002638043.25), dbSNP rs369219136, ClinGen allele CA526542.

ClinVar aggregate classification (germline): Likely benign. Review status: criteria provided, multiple submitters, no conflicts (2 of 4 stars). 2 submissions from 2 submitters: Likely benign (2). Last evaluated 2026-03-01.

Allele frequency attached by ClinVar (database versions not stated): ExAC 0.00018; TOPMed 0.00024; gnomAD 0.00030; ESP Exome Variant Server 0.00046; gnomAD exomes 0.00048.
gnomAD v4.1: 742 of 1,613,468 alleles (0.046%); highest among the groups gnomAD compares: Non-Finnish European, 0.058%; 1 homozygote.

Submissions (2):

CeGaT Center for Human Genetics Tuebingen
Classification: Likely benign. Last evaluated: 2026-03-01. Review status: criteria provided, single submitter. Criteria: CeGaT Center For Human Genetics Tuebingen Variant Classification Criteria Version 2. Collection method: clinical testing. Allele origin: germline. Affected: yes. Observed: 5 variant alleles.
Comment: ATAD3A: BP4, BP7

Blueprint Genetics
Classification: Likely benign. Last evaluated: 2024-09-16. Review status: criteria provided, single submitter. Criteria: ACMG Guidelines, 2015. Collection method: clinical testing. Allele origin: germline.